The following is an entry in ClinVar:

ClinVar aggregate classification (germline): Uncertain significance. Review status: criteria provided, multiple submitters, no conflicts (2 of 4 stars). 2 submissions from 2 submitters: Uncertain significance (2). Last evaluated 2025-01-24.

Conditions:
Familial thoracic aortic aneurysm and aortic dissection (TAAD). Also called: Thoracic aortic aneurysms and dissections. Identifiers: Orphanet 91387, MedGen C4707243, MONDO:0019625.
Marfan syndrome (MFS). Also called: MARFAN SYNDROME, TYPE I; Marfan syndrome type 1; Marfan's syndrome; Marfan syndrome, classic; FBN1-Related Marfan Syndrome. Identifiers: Orphanet 284963, Orphanet 558, MedGen C0024796, MONDO:0007947, OMIM 154700.

Allele frequency attached by ClinVar (database versions not stated): gnomAD exomes below 0.00001.
gnomAD v4.1: 1 of 1,612,994 alleles (0.000062%); highest among the groups gnomAD compares: Non-Finnish European, 0.000085%; no homozygotes.

Submissions (2):

Labcorp Genetics (formerly Invitae), Labcorp
Classification: Uncertain significance for Marfan syndrome; Familial thoracic aortic aneurysm and aortic dissection. Last evaluated: 2025-01-24. Review status: criteria provided, single submitter. Criteria: Invitae Variant Classification Sherloc (09022015). Collection method: clinical testing. Allele origin: germline.
Comment: This sequence change replaces aspartic acid, which is acidic and polar, with valine, which is neutral and non-polar, at codon 1884 of the FBN1 protein (p.Asp1884Val). This variant is not present in population databases (gnomAD no frequency). This variant has not been reported in the literature in individuals affected with FBN1-related conditions. ClinVar contains an entry for this variant (Variation ID: 2180768). Invitae Evidence Modeling of protein sequence and biophysical properties (such as structural, functional, and spatial information, amino acid conservation, physicochemical variation, residue mobility, and thermodynamic stability) indicates that this missense variant is not expected to disrupt FBN1 protein function with a negative predictive value of 95%. In summary, the available evidence is currently insufficient to determine the role of this variant in disease. Therefore, it has been classified as a Variant of Uncertain Significance.

Color Diagnostics, LLC DBA Color Health
Classification: Uncertain significance for Familial thoracic aortic aneurysm and aortic dissection. Last evaluated: 2023-09-18. Review status: criteria provided, single submitter. Criteria: ACMG Guidelines, 2015. Collection method: clinical testing. Allele origin: germline.
Comment: This missense variant replaces aspartic acid with valine at codon 1884 of the FBN1 protein. Computational prediction suggests that this variant may not impact protein structure and function (internally defined REVEL score threshold <= 0.5, PMID: 27666373). To our knowledge, functional studies have not been reported for this variant. This variant has not been reported in individuals affected with FBN1-related disorders in the literature. This variant has not been identified in the general population by the Genome Aggregation Database (gnomAD). The available evidence is insufficient to determine the role of this variant in disease conclusively. Therefore, this variant is classified as a Variant of Uncertain Significance.

NM_000138.5(FBN1):c.5651A>T (p.Asp1884Val)

Gene: FBN1 (fibrillin 1; minus strand). Cytogenetic location: 15q21.1.
Variant type: single nucleotide variant.
Coding change: c.5651A>T on transcript NM_000138.5 (MANE Select); coding-DNA position 5651, A replaced by T.
Protein change: p.Asp1884Val; replaces aspartic acid 1884 with valine.
Molecular consequence: missense variant.
Genome position (GRCh38, 1-based): chr15:48,448,788, T>A on the plus strand (A>T on the coding strand, the complement: FBN1 is on the minus strand). VCF-style: chr15-48448788-T-A. GRCh37 (hg19) VCF-style: chr15-48740985-T-A.
Other names: c.5651A>T, p.Asp1884Val (NM_001406716.1); short protein forms D1884V.
Identifiers: ClinVar variation 2180768 (VCV002180768.6), dbSNP rs2505463151, ClinGen allele CA392341739.
Genomic context (GRCh38, chr15:48,448,788, plus strand): 5'-CAACAGCATATGAAAAAAATAATAATAATTGCATACTTACCCAAGCACATGGTTTGGTCA[T>A]CATTTGTTTTAAAACCAGTGTGGCAAAGGCAATAAAAGCTTCCAACTGTGTCAATGCACT-3'
Protein context (NP_000129.3, residues 1874-1894): CLCHTGFKTN[Asp1884Val]DQTMCLDINE